The following is an entry in ClinVar:

ClinVar aggregate classification (germline): Uncertain significance (1 of 4 stars; one submission).

Conditions:
Long QT syndrome (LQTS). Identifiers: MedGen C0023976, MeSH D008133, MONDO:0002442. Disease mechanism: loss of function. Inheritance: Various modes of inheritance.

Allele frequency attached by ClinVar (database versions not stated): gnomAD exomes below 0.00001.
gnomAD v4.1: 5 of 1,613,898 alleles (0.00031%); highest among the groups gnomAD compares: Non-Finnish European, 0.00042%; no homozygotes.

Submission:

Labcorp Genetics (formerly Invitae), Labcorp
Classification: Uncertain significance for Long QT syndrome. Last evaluated: 2023-06-05. Review status: criteria provided, single submitter. Criteria: Invitae Variant Classification Sherloc (09022015). Collection method: clinical testing. Allele origin: germline.
Comment: In summary, the available evidence is currently insufficient to determine the role of this variant in disease. Therefore, it has been classified as a Variant of Uncertain Significance. An algorithm developed to predict the effect of missense changes on protein structure and function (PolyPhen-2) suggests that this variant is likely to be tolerated. This variant has not been reported in the literature in individuals affected with KCNH2-related conditions. This variant is not present in population databases (gnomAD no frequency). This sequence change replaces valine, which is neutral and non-polar, with alanine, which is neutral and non-polar, at codon 131 of the KCNH2 protein (p.Val131Ala).

NM_000238.4(KCNH2):c.392T>C (p.Val131Ala)

Gene: KCNH2 (potassium voltage-gated channel subfamily H member 2; minus strand). Cytogenetic location: 7q36.1.
Variant type: single nucleotide variant.
Coding change: c.392T>C on transcript NM_000238.4 (MANE Select); coding-DNA position 392, T replaced by C.
Protein change: p.Val131Ala; replaces valine 131 with alanine.
Molecular consequence: missense variant. On other transcripts: non-coding transcript variant (1).
Genome position (GRCh38, 1-based): chr7:150,959,652, A>G on the plus strand (T>C on the coding strand, the complement: KCNH2 is on the minus strand). VCF-style: chr7-150959652-A-G. GRCh37 (hg19) VCF-style: chr7-150656740-A-G.
Other names: c.104T>C, p.Val35Ala (NM_001406753.1, NM_001406756.1); c.215T>C, p.Val72Ala (NM_001406755.1); c.92T>C, p.Val31Ala (NM_001406757.1); c.392T>C, p.Val131Ala (NM_172056.3); short protein forms V131A, V31A, V35A, V72A.
Identifiers: ClinVar variation 2802092 (VCV002802092.3), dbSNP rs2486100937, ClinGen allele CA369863754.